The following is an entry in ClinVar:

ClinVar aggregate classification (germline): Uncertain significance. Review status: criteria provided, multiple submitters, no conflicts (2 of 4 stars). 2 submissions from 2 submitters: Uncertain significance (2). Last evaluated 2023-04-01.

Conditions:
Inborn genetic diseases. Identifiers: MedGen C0950123, MeSH D030342.

Allele frequency attached by ClinVar (database versions not stated): TOPMed 0.00003; ExAC 0.00007; 1000 Genomes Project 30x 0.00016; 1000 Genomes Project 0.00020.

Submissions (2):

Labcorp Genetics (formerly Invitae), Labcorp
Classification: Uncertain significance. Last evaluated: 2023-04-01. Review status: criteria provided, single submitter. Criteria: Invitae Variant Classification Sherloc (09022015). Collection method: clinical testing. Allele origin: germline.
Comment: In summary, the available evidence is currently insufficient to determine the role of this variant in disease. Therefore, it has been classified as a Variant of Uncertain Significance. An algorithm developed to predict the effect of missense changes on protein structure and function (PolyPhen-2) suggests that this variant is likely to be disruptive. ClinVar contains an entry for this variant (Variation ID: 2244704). This variant has not been reported in the literature in individuals affected with PPP1R12A-related conditions. This variant is present in population databases (rs189555743, gnomAD 0.02%). This sequence change replaces arginine, which is basic and polar, with glutamine, which is neutral and polar, at codon 504 of the PPP1R12A protein (p.Arg504Gln).

Ambry Genetics
Classification: Uncertain significance for Inborn genetic diseases. Last evaluated: 2021-08-13. Review status: criteria provided, single submitter. Criteria: Ambry Variant Classification Scheme 2023. Collection method: clinical testing. Allele origin: germline.

NM_002480.3(PPP1R12A):c.1511G>A (p.Arg504Gln)

Gene: PPP1R12A (protein phosphatase 1 regulatory subunit 12A; minus strand). Cytogenetic location: 12q21.2.
Variant type: single nucleotide variant.
Coding change: c.1511G>A on transcript NM_002480.3 (MANE Select); coding-DNA position 1511, G replaced by A.
Protein change: p.Arg504Gln; replaces arginine 504 with glutamine.
Molecular consequence: missense variant.
Genome position (GRCh38, 1-based): chr12:79,808,522, C>T on the plus strand (G>A on the coding strand, the complement: PPP1R12A is on the minus strand). VCF-style: chr12-79808522-C-T. GRCh37 (hg19) VCF-style: chr12-80202302-C-T.
Other names: c.1511G>A, p.Arg504Gln (NM_001143885.2, NM_001244990.2, NM_001244992.1); c.1250G>A, p.Arg417Gln (NM_001143886.2); short protein forms R504Q, R417Q.
Identifiers: ClinVar variation 2244704 (VCV002244704.5), dbSNP rs189555743, ClinGen allele CA6699656.